The following is an entry in ClinVar:

NM_031935.3(HMCN1):c.8008A>G (p.Asn2670Asp)

Gene: HMCN1 (hemicentin 1; plus strand). Cytogenetic location: 1q31.1.
Variant type: single nucleotide variant.
Coding change: c.8008A>G on transcript NM_031935.3 (MANE Select); coding-DNA position 8008, A replaced by G.
Protein change: p.Asn2670Asp; replaces asparagine 2670 with aspartic acid.
Molecular consequence: missense variant.
Genome position (GRCh38, 1-based): chr1:186,070,626, A>G. VCF-style: chr1-186070626-A-G. GRCh37 (hg19) VCF-style: chr1-186039758-A-G.
Other names: short protein forms N2670D.
Identifiers: ClinVar variation 1915931 (VCV001915931.5), dbSNP rs1658419906, ClinGen allele CA343909778.

ClinVar aggregate classification (germline): Uncertain significance (1 of 4 stars; one submission).

Allele frequency attached by ClinVar (database versions not stated): gnomAD 0.00001; TOPMed 0.00001.
gnomAD v4.1: 1 of 1,612,674 alleles (0.000062%); highest among the groups gnomAD compares: African/African-American, 0.0013%; no homozygotes.

Submission:

Labcorp Genetics (formerly Invitae), Labcorp
Classification: Uncertain significance. Last evaluated: 2023-04-06. Review status: criteria provided, single submitter. Criteria: Invitae Variant Classification Sherloc (09022015). Collection method: clinical testing. Allele origin: germline.
Comment: This sequence change replaces asparagine, which is neutral and polar, with aspartic acid, which is acidic and polar, at codon 2670 of the HMCN1 protein (p.Asn2670Asp). This variant is not present in population databases (gnomAD no frequency). This variant has not been reported in the literature in individuals affected with HMCN1-related conditions. ClinVar contains an entry for this variant (Variation ID: 1915931). An algorithm developed to predict the effect of missense changes on protein structure and function (PolyPhen-2) suggests that this variant is likely to be tolerated. In summary, the available evidence is currently insufficient to determine the role of this variant in disease. Therefore, it has been classified as a Variant of Uncertain Significance.